The following is an entry in ClinVar:

NM_001109809.5(ZFP57):c.925G>A (p.Ala309Thr)

Gene: ZFP57 (ZFP57 zinc finger protein; minus strand). Cytogenetic location: 6p22.1.
Variant type: single nucleotide variant.
Coding change: c.925G>A on transcript NM_001109809.5 (MANE Select); coding-DNA position 925, G replaced by A.
Protein change: p.Ala309Thr; replaces alanine 309 with threonine.
Molecular consequence: missense variant.
Genome position (GRCh38, 1-based): chr6:29,673,186, C>T on the plus strand (G>A on the coding strand, the complement: ZFP57 is on the minus strand). VCF-style: chr6-29673186-C-T. GRCh37 (hg19) VCF-style: chr6-29640963-C-T.
Other names: c.709G>A, p.Ala237Thr (NM_001366333.2); short protein forms A309T, A237T.
Identifiers: ClinVar variation 2161728 (VCV002161728.2), dbSNP rs763672670, ClinGen allele CA3690753.

ClinVar aggregate classification (germline): Uncertain significance (1 of 4 stars; one submission).

Allele frequency attached by ClinVar (database versions not stated): gnomAD 0.00001; TOPMed 0.00001; ExAC 0.00002.
gnomAD v4.1: 12 of 1,612,770 alleles (0.00074%); highest among the groups gnomAD compares: Admixed American, 0.0033%; no homozygotes.

Submission:

Labcorp Genetics (formerly Invitae), Labcorp
Classification: Uncertain significance. Last evaluated: 2025-07-24. Review status: criteria provided, single submitter. Criteria: Invitae Variant Classification Sherloc (09022015). Collection method: clinical testing. Allele origin: germline.
Comment: This sequence change replaces alanine, which is neutral and non-polar, with threonine, which is neutral and polar, at codon 309 of the ZFP57 protein (p.Ala309Thr). This variant is present in population databases (rs763672670, gnomAD 0.003%). This variant has not been reported in the literature in individuals affected with ZFP57-related conditions. ClinVar contains an entry for this variant (Variation ID: 2161728). An algorithm developed to predict the effect of missense changes on protein structure and function outputs the following: PolyPhen-2: "Benign". The threonine amino acid residue is found in multiple mammalian species, which suggests that this missense change does not adversely affect protein function. In summary, the available evidence is currently insufficient to determine the role of this variant in disease. Therefore, it has been classified as a Variant of Uncertain Significance.